The following is an entry in ClinVar:

NM_000264.5(PTCH1):c.1847+2T>G

Genes: PTCH1 (patched 1; minus strand), LOC100507346 (uncharacterized LOC100507346; plus strand). Cytogenetic location: 9q22.32.
Variant type: single nucleotide variant.
Coding change: c.1847+2T>G on transcript NM_000264.5 (MANE Select); the canonical splice donor site of the intron after coding-DNA position 1847, T replaced by G.
Molecular consequence: splice donor variant. On other transcripts: non-coding transcript variant (1).
Genome position (GRCh38, 1-based): chr9:95,469,811, A>C on the plus strand (T>G on the coding strand, the complement: PTCH1 is on the minus strand). VCF-style: chr9-95469811-A-C. GRCh37 (hg19) VCF-style: chr9-98232093-A-C.
Other names: c.1844+2T>G (NM_001083603.3); c.1649+2T>G (NM_001083602.3); c.1691+2T>G (NM_001354918.2); c.1394+2T>G (NM_001083605.3, NM_001083604.3, NM_001083606.3 and 1 more transcripts).
Identifiers: ClinVar variation 1070827 (VCV001070827.7), dbSNP rs2118088248, ClinGen allele CA374116206.
Genomic context (GRCh38, chr9:95,469,811, plus strand): 5'-AGAGTTCTCTCACAGCACCATTCTGCACCCAATCAAAAGGCCACAGCAGTCTGAAAATGT[A>C]CCTTGTAAAACAGCAGAAAATATCCAGTCTCCTGTCCTCGCGTCGATATAAATCCATGCT-3'

ClinVar aggregate classification (germline): Pathogenic (1 of 4 stars; one submission).

Conditions:
Gorlin syndrome. Also called: Nevoid Basal Cell Carcinoma Syndrome; Basal cell nevus syndrome. Identifiers: Orphanet 377, MedGen C0004779, MONDO:0007187.

Submission:

Labcorp Genetics (formerly Invitae), Labcorp
Classification: Pathogenic for Gorlin syndrome. Last evaluated: 2023-11-28. Review status: criteria provided, single submitter. Criteria: Invitae Variant Classification Sherloc (09022015). Collection method: clinical testing. Allele origin: germline.
Comment: This sequence change affects a donor splice site in intron 13 of the PTCH1 gene. RNA analysis indicates that disruption of this splice site induces altered splicing and may result in an absent or disrupted protein product. This variant is not present in population databases (gnomAD no frequency). This variant has not been reported in the literature in individuals affected with PTCH1-related conditions. ClinVar contains an entry for this variant (Variation ID: 1070827). Studies have shown that disruption of this splice site results in skipping of exon 13 and introduces a premature termination codon (PMID: 27561271). The resulting mRNA is expected to undergo nonsense-mediated decay. For these reasons, this variant has been classified as Pathogenic.

Literature cited by the submitters: PubMed 27561271.